The following is an entry in ClinVar:

NM_002875.5(RAD51):c.158C>G (p.Ala53Gly)

Gene: RAD51 (RAD51 recombinase; plus strand). Cytogenetic location: 15q15.1.
Variant type: single nucleotide variant.
Coding change: c.158C>G on transcript NM_002875.5 (MANE Select); coding-DNA position 158, C replaced by G.
Protein change: p.Ala53Gly; replaces alanine 53 with glycine.
Molecular consequence: missense variant.
Genome position (GRCh38, 1-based): chr15:40,701,134, C>G. VCF-style: chr15-40701134-C-G. GRCh37 (hg19) VCF-style: chr15-40993332-C-G.
Other names: c.158C>G, p.Ala53Gly (NM_001164269.2, NM_001164270.2, NM_133487.4); short protein forms A53G.
Identifiers: ClinVar variation 2450851 (VCV002450851.2), dbSNP rs2141819309, ClinGen allele CA391745951.

ClinVar aggregate classification (germline): Uncertain significance (1 of 4 stars; one submission).

Conditions:
Inborn genetic diseases. Identifiers: MedGen C0950123, MeSH D030342.

Allele frequency attached by ClinVar (database versions not stated): gnomAD exomes below 0.00001.
gnomAD v4.1: 1 of 1,614,156 alleles (0.000062%); highest among the groups gnomAD compares: Non-Finnish European, 0.000085%; no homozygotes.

Submission:

Ambry Genetics
Classification: Uncertain significance for Inborn genetic diseases. Last evaluated: 2022-11-24. Review status: criteria provided, single submitter. Criteria: Ambry Variant Classification Scheme 2023. Collection method: clinical testing. Allele origin: germline.
Comment: The p.A53G variant (also known as c.158C>G), located in coding exon 2 of the RAD51 gene, results from a C to G substitution at nucleotide position 158. The alanine at codon 53 is replaced by glycine, an amino acid with similar properties. This amino acid position is conserved. In addition, the in silico prediction for this alteration is inconclusive. Since supporting evidence is limited at this time, the clinical significance of this alteration remains unclear.